The following is an entry in ClinVar:

ClinVar aggregate classification (germline): Uncertain significance. Review status: criteria provided, multiple submitters, no conflicts (2 of 4 stars). 2 submissions from 2 submitters: Uncertain significance (2). Last evaluated 2024-07-08.

Conditions:
Cardiovascular phenotype. Identifiers: MedGen CN230736.

Submissions (2):

GeneDx
Classification: Uncertain significance. Last evaluated: 2024-07-08. Review status: criteria provided, single submitter. Criteria: GeneDx Variant Classification Process June 2021. Collection method: clinical testing. Allele origin: germline. Affected: yes.
Comment: Not observed at significant frequency in large population cohorts (gnomAD); In silico analysis supports that this missense variant has a deleterious effect on protein structure/function; Has not been previously published as pathogenic or benign to our knowledge

Ambry Genetics
Classification: Uncertain significance for Cardiovascular phenotype. Last evaluated: 2022-08-20. Review status: criteria provided, single submitter. Criteria: Ambry Variant Classification Scheme 2023. Collection method: clinical testing. Allele origin: germline.
Comment: The p.G1110V variant (also known as c.3329G>T), located in coding exon 7 of the TNXB gene, results from a G to T substitution at nucleotide position 3329. The glycine at codon 1110 is replaced by valine, an amino acid with dissimilar properties. This amino acid position is conserved. In addition, this alteration is predicted to be tolerated by in silico analysis. Since supporting evidence is limited at this time, the clinical significance of this alteration remains unclear.

NM_001365276.2(TNXB):c.3329G>T (p.Gly1110Val)

Gene: TNXB (tenascin XB; minus strand). Cytogenetic location: 6p21.33.
Variant type: single nucleotide variant.
Coding change: c.3329G>T on transcript NM_001365276.2 (MANE Select); coding-DNA position 3329, G replaced by T.
Protein change: p.Gly1110Val; replaces glycine 1110 with valine.
Molecular consequence: missense variant.
Genome position (GRCh38, 1-based): chr6:32,084,529, C>A on the plus strand (G>T on the coding strand, the complement: TNXB is on the minus strand). VCF-style: chr6-32084529-C-A. GRCh37 (hg19) VCF-style: chr6-32052306-C-A.
Other names: c.3329G>T, p.Gly1110Val (NM_019105.8); short protein forms G1110V.
Identifiers: ClinVar variation 1730281 (VCV001730281.3), dbSNP rs2483692679, ClinGen allele CA363442151.